The following is an entry in ClinVar:

ClinVar aggregate classification (germline): Uncertain significance (1 of 4 stars; one submission).

Conditions:
Cohen syndrome (COH1). Also called: PEPPER SYNDROME; Cutis verticis gyrata, retinitis pigmentosa, and sensorineural deafness. Identifiers: Orphanet 193, MedGen C0265223, MONDO:0008999, OMIM 216550.

Allele frequency attached by ClinVar (database versions not stated): TOPMed below 0.00001; gnomAD 0.00001.
gnomAD v4.1: 1 of 1,613,868 alleles (0.000062%); highest among the groups gnomAD compares: Non-Finnish European, 0.000085%; no homozygotes.

Submission:

Labcorp Genetics (formerly Invitae), Labcorp
Classification: Uncertain significance for Cohen syndrome. Last evaluated: 2021-11-21. Review status: criteria provided, single submitter. Criteria: Invitae Variant Classification Sherloc (09022015). Collection method: clinical testing. Allele origin: germline.
Comment: This sequence change replaces valine, which is neutral and non-polar, with alanine, which is neutral and non-polar, at codon 2594 of the VPS13B protein (p.Val2594Ala). This variant is not present in population databases (gnomAD no frequency). This variant has not been reported in the literature in individuals affected with VPS13B-related conditions. Algorithms developed to predict the effect of missense changes on protein structure and function are either unavailable or do not agree on the potential impact of this missense change (SIFT: "Not Available"; PolyPhen-2: "Benign"; Align-GVGD: "Not Available"). In summary, the available evidence is currently insufficient to determine the role of this variant in disease. Therefore, it has been classified as a Variant of Uncertain Significance.

NM_152564.5(VPS13B):c.7706T>C (p.Val2569Ala)

Gene: VPS13B (vacuolar protein sorting 13 homolog B; plus strand). Cytogenetic location: 8q22.2.
Variant type: single nucleotide variant.
Coding change: c.7706T>C on transcript NM_152564.5 (MANE Select); coding-DNA position 7706, T replaced by C.
Protein change: p.Val2569Ala; replaces valine 2569 with alanine.
Molecular consequence: missense variant.
Genome position (GRCh38, 1-based): chr8:99,778,958, T>C. VCF-style: chr8-99778958-T-C. GRCh37 (hg19) VCF-style: chr8-100791186-T-C.
Other names: c.7781T>C, p.Val2594Ala (NM_017890.5); short protein forms V2594A, V2569A.
Identifiers: ClinVar variation 1440779 (VCV001440779.3), dbSNP rs1434588029, ClinGen allele CA371876539.
Genomic context (GRCh38, chr8:99,778,958, plus strand): 5'-TCGGGCAGATGGCAGTTTCCAGCGATGTAGTGGAAAAGCTGCTTGACTGCACCGTGATAG[T>C]TGATTCTGTATTTGTAAACCTTGGACAGCATGTAGTCCATTCACTAAACACTGCAATACA-3'
Protein context (NP_689777.3, residues 2559-2579): VEKLLDCTVI[Val2569Ala]DSVFVNLGQH